The following is an entry in ClinVar:

ClinVar aggregate classification (germline): Benign. Review status: criteria provided, multiple submitters, no conflicts (2 of 4 stars). 2 submissions from 2 submitters: Benign (2). Last evaluated 2018-01-12.

Conditions:
Alport syndrome. Also called: Hemorrhagic familial nephritis; Hemorrhagic hereditary nephritis; Congenital hereditary hematuria. Identifiers: Orphanet 63, MedGen C1567741, MONDO:0018965.

Allele frequency attached by ClinVar (database versions not stated): gnomAD 0.31211 and 0.31254; TOPMed 0.31278; 1000 Genomes Project 30x 0.31293; 1000 Genomes Project 0.31350; gnomAD exomes 0.32775.
gnomAD v4.1: 47,711 of 152,040 alleles (31%); highest among the groups gnomAD compares: Admixed American, 40%; 7,794 homozygotes.

Submissions (2):

Illumina Laboratory Services, Illumina
Classification: Benign for Alport syndrome. Last evaluated: 2018-01-12. Review status: criteria provided, single submitter. Criteria: ICSL Variant Classification Criteria 13 December 2019. Collection method: clinical testing. Allele origin: germline.
Comment: This variant was observed in the ICSL laboratory as part of a predisposition screen in an ostensibly healthy population. It had not been previously curated by ICSL or reported in the Human Gene Mutation Database (HGMD: prior to June 1st, 2018), and was therefore a candidate for classification through an automated scoring system. Utilizing variant allele frequency, disease prevalence and penetrance estimates, and inheritance mode, an automated score was calculated to assess if this variant is too frequent to cause the disease. Based on the score and internal cut-off values, a variant classified as benign is not then subjected to further curation. The score for this variant resulted in a classification of benign for this disease.

Breakthrough Genomics
Classification: Benign. Review status: criteria provided, single submitter. Criteria: ACMG Guidelines, 2015. Collection method: not provided. Allele origin: germline. Inheritance: Autosomal recessive inheritance. Affected: yes.

NM_000091.5(COL4A3):c.*2742C>T

Genes: MFF-DT (MFF divergent transcript; minus strand), COL4A3 (collagen type IV alpha 3 chain; plus strand). Cytogenetic location: 2q36.3.
Variant type: single nucleotide variant.
Coding change: c.*2742C>T on transcript NM_000091.5 (MANE Select); 2742 bases downstream of the stop codon, C replaced by T.
Molecular consequence: 3 prime UTR variant.
Genome position (GRCh38, 1-based): chr2:227,314,612, C>T. VCF-style: chr2-227314612-C-T. GRCh37 (hg19) VCF-style: chr2-228179328-C-T.
Identifiers: ClinVar variation 334827 (VCV000334827.6), dbSNP rs59257065, ClinGen allele CA10614710.